The following is an entry in ClinVar:

NM_001370466.1(NOD2):c.1400A>C (p.Lys467Thr)

Gene: NOD2 (nucleotide binding oligomerization domain containing 2; plus strand). Cytogenetic location: 16q12.1.
Variant type: single nucleotide variant.
Coding change: c.1400A>C on transcript NM_001370466.1 (MANE Select); coding-DNA position 1400, A replaced by C.
Protein change: p.Lys467Thr; replaces lysine 467 with threonine.
Molecular consequence: missense variant. On other transcripts: non-coding transcript variant (1).
Genome position (GRCh38, 1-based): chr16:50,711,392, A>C. VCF-style: chr16-50711392-A-C. GRCh37 (hg19) VCF-style: chr16-50745303-A-C.
Other names: c.1400A>C, p.Lys467Thr (NM_001293557.2); c.1481A>C, p.Lys494Thr (NM_022162.3); short protein forms K467T, K494T.
Identifiers: ClinVar variation 3754276 (VCV003754276.2).
Genomic context (GRCh38, chr16:50,711,392, plus strand): 5'-AAGAGACCTCAGCCCTGCACGGTTTGTGCCACCTGCCTGTCTTCTCATGGATGGTGTCCA[A>C]ATGCCACCAGGAACTGTTGCTGCAGGAGGGGGGGTCCCCAAAGACCACTACAGATATGTA-3'
Protein context (NP_001357395.1, residues 457-477): HLPVFSWMVS[Lys467Thr]CHQELLLQEG

ClinVar aggregate classification (germline): Uncertain significance (1 of 4 stars; one submission).

Conditions:
Regional enteritis. Also called: Enteritis, Granulomatous. Identifiers: MedGen C0678202, MeSH D003424.
Blau syndrome (BLAUS). Also called: ARTHROCUTANEOUVEAL GRANULOMATOSIS; GRANULOMATOSIS, FAMILIAL JUVENILE SYSTEMIC; GRANULOMATOSIS, FAMILIAL, BLAU TYPE; GRANULOMATOUS INFLAMMATORY ARTHRITIS, DERMATITIS, AND UVEITIS, FAMILIAL; JABS SYNDROME. Identifiers: Orphanet 90340, MedGen C5201146, MONDO:0008523, OMIM 186580.

Submission:

Labcorp Genetics (formerly Invitae), Labcorp
Classification: Uncertain significance for Regional enteritis; Blau syndrome. Last evaluated: 2025-10-14. Review status: criteria provided, single submitter. Criteria: Invitae Variant Classification Sherloc (09022015). Collection method: clinical testing. Allele origin: germline.
Comment: This sequence change replaces lysine, which is basic and polar, with threonine, which is neutral and polar, at codon 494 of the NOD2 protein (p.Lys494Thr). This variant is not present in population databases (gnomAD no frequency). This variant has not been reported in the literature in individuals affected with NOD2-related conditions. ClinVar contains an entry for this variant (Variation ID: 3754276). Invitae Evidence Modeling of protein sequence and biophysical properties (such as structural, functional, and spatial information, amino acid conservation, physicochemical variation, residue mobility, and thermodynamic stability) has been performed for this missense variant. However, the output from this modeling did not meet the statistical confidence thresholds required to predict the impact of this variant on NOD2 protein function. In summary, the available evidence is currently insufficient to determine the role of this variant in disease. Therefore, it has been classified as a Variant of Uncertain Significance.